The following is an entry in ClinVar:

ClinVar aggregate classification (germline): Likely benign. Review status: criteria provided, multiple submitters, no conflicts (2 of 4 stars). 2 submissions from 2 submitters: Likely benign (2). Last evaluated 2025-07-01.

Conditions:
Hereditary cancer-predisposing syndrome. Also called: Hereditary neoplastic syndrome; Tumor predisposition; Neoplastic Syndromes, Hereditary; Hereditary Cancer Syndrome. Identifiers: Orphanet 140162, MedGen C0027672, MeSH D009386, MONDO:0015356.

Allele frequency attached by ClinVar (database versions not stated): gnomAD exomes 0.00001.
gnomAD v4.1: 3 of 1,614,198 alleles (0.00019%); highest among the groups gnomAD compares: Non-Finnish European, 0.00025%; no homozygotes.

Submissions (2):

CeGaT Center for Human Genetics Tuebingen
Classification: Likely benign. Last evaluated: 2025-07-01. Review status: criteria provided, single submitter. Criteria: CeGaT Center For Human Genetics Tuebingen Variant Classification Criteria Version 2. Collection method: clinical testing. Allele origin: germline. Affected: yes. Observed: 1 variant allele.
Comment: RAD50: BP4, BP7

Ambry Genetics
Classification: Likely benign for Hereditary cancer-predisposing syndrome. Last evaluated: 2022-06-30. Review status: criteria provided, single submitter. Criteria: Ambry Variant Classification Scheme 2023. Collection method: clinical testing. Allele origin: germline.

NM_005732.4(RAD50):c.3786C>T (p.Phe1262=)

Genes: RAD50 (RAD50 double strand break repair protein; plus strand), TH2LCRR (T helper type 2 locus control region associated RNA; minus strand). Cytogenetic location: 5q31.1.
Variant type: single nucleotide variant.
Coding change: c.3786C>T on transcript NM_005732.4 (MANE Select); coding-DNA position 3786, C replaced by T.
Protein change: p.Phe1262=; no amino-acid change (phenylalanine 1262 retained).
Molecular consequence: synonymous variant. On other transcripts: non-coding transcript variant (1).
Genome position (GRCh38, 1-based): chr5:132,642,211, C>T. VCF-style: chr5-132642211-C-T. GRCh37 (hg19) VCF-style: chr5-131977903-C-T.
Identifiers: ClinVar variation 1734889 (VCV001734889.10), dbSNP rs267600344, ClinGen allele CA127238273.